The following is an entry in ClinVar:

NM_001001344.3(ATP2B3):c.3486G>C (p.Thr1162=)

Gene: ATP2B3 (ATPase plasma membrane Ca2+ transporting 3; plus strand). Cytogenetic location: Xq28.
Variant type: single nucleotide variant.
Coding change: c.3486G>C on transcript NM_001001344.3 (MANE Select); coding-DNA position 3486, G replaced by C.
Protein change: p.Thr1162=; no amino-acid change (threonine 1162 retained).
Molecular consequence: synonymous variant. On other transcripts: 3 prime UTR variant (2).
Genome position (GRCh38, 1-based): chrX:153,580,121, G>C. VCF-style: chrX-153580121-G-C. GRCh37 (hg19) VCF-style: chrX-152845579-G-C.
Other names: c.*118G>C (NM_001388360.1, NM_021949.4); c.3486G>C, p.Thr1162= (NM_001388361.1).
Identifiers: ClinVar variation 2661703 (VCV002661703.24), dbSNP rs782480989, ClinGen allele CA10548257.
Genomic context (GRCh38, chrX:153,580,121, plus strand): 5'-GGCCACGCCCGAGTTTCTGATCAATGACTACACCCACAACATCCCGCTCATTGACGACAC[G>C]GACGTGGACGAGAACGAGGAGCGCCTCCGGGCCCCCCCGCCCCCGTCCCCCAACCAGAAC-3'
Protein context (NP_001001344.1, residues 1152-1172): YTHNIPLIDD[Thr1162=]DVDENEERLR

ClinVar aggregate classification (germline): Likely benign (1 of 4 stars; one submission).

Allele frequency attached by ClinVar (database versions not stated): TOPMed below 0.00001; 1000 Genomes Project 30x 0.00021; 1000 Genomes Project 0.00026.

Submission:

CeGaT Center for Human Genetics Tuebingen
Classification: Likely benign. Last evaluated: 2022-07-01. Review status: criteria provided, single submitter. Criteria: CeGaT Center For Human Genetics Tuebingen Variant Classification Criteria Version 2. Collection method: clinical testing. Allele origin: germline. Affected: yes. Observed: 1 variant allele.
Comment: ATP2B3: BP4, BP7